The following is an entry in ClinVar:

NM_003193.5(TBCE):c.776T>G (p.Leu259Arg)

Gene: TBCE (tubulin folding cofactor E; plus strand). Cytogenetic location: 1q42.3.
Variant type: single nucleotide variant.
Coding change: c.776T>G on transcript NM_003193.5 (MANE Select); coding-DNA position 776, T replaced by G.
Protein change: p.Leu259Arg; replaces leucine 259 with arginine.
Molecular consequence: missense variant.
Genome position (GRCh38, 1-based): chr1:235,435,783, T>G. VCF-style: chr1-235435783-T-G. GRCh37 (hg19) VCF-style: chr1-235599098-T-G.
Other names: c.776T>G, p.Leu259Arg (NM_001079515.3); c.929T>G, p.Leu310Arg (NM_001287801.2); c.437T>G, p.Leu146Arg (NM_001287802.2); short protein forms L146R, L259R, L310R.
Identifiers: ClinVar variation 4855634 (VCV004855634.1).

ClinVar aggregate classification (germline): Uncertain significance (1 of 4 stars; one submission).

Conditions:
Hypoparathyroidism-retardation-dysmorphism syndrome (HRDS). Also called: SANJAD-SAKATI SYNDROME. Identifiers: Orphanet 2323, MedGen C1855840, MONDO:0009426, OMIM 241410.

Submission:

3billion
Classification: Uncertain significance for Hypoparathyroidism-retardation-dysmorphism syndrome. Last evaluated: 2025-12-12. Review status: criteria provided, single submitter. Criteria: ACMG Guidelines, 2015. Collection method: clinical testing. Allele origin: germline. Affected: yes.
Comment: The variant is not observed in the gnomAD v4.1.0 dataset. Predicted Consequence/Location: Missense variant. The majority of the known disease-causing variants of this gene are variants expected to result in premature termination of the protein. In silico tool predictions suggest damaging effect of the variant on gene or gene product [REVEL: 0.64 (>=0.6, sensitivity 0.68 and specificity 0.92)]. Therefore, this variant is classified as VUS according to the recommendation of ACMG/AMP guideline.